The following is an entry in ClinVar:

NM_005530.3(IDH3A):c.10C>T (p.Pro4Ser)

Genes: IDH3A (isocitrate dehydrogenase (NAD(+)) 3 catalytic subunit alpha; plus strand), LOC130057684 (ATAC-STARR-seq lymphoblastoid silent region 6706; plus strand). Cytogenetic location: 15q25.1.
Variant type: single nucleotide variant.
Coding change: c.10C>T on transcript NM_005530.3 (MANE Select); coding-DNA position 10, C replaced by T.
Protein change: p.Pro4Ser; replaces proline 4 with serine.
Molecular consequence: missense variant.
Genome position (GRCh38, 1-based): chr15:78,149,413, C>T. VCF-style: chr15-78149413-C-T. GRCh37 (hg19) VCF-style: chr15-78441755-C-T.
Other names: short protein forms P4S.
Identifiers: ClinVar variation 2060656 (VCV002060656.4), dbSNP rs769851178, ClinGen allele CA7680426.
Genomic context (GRCh38, chr15:78,149,413, plus strand): 5'-CGCTTGCGCACTGCCGCTGCGGCTGTTGCTGCGGAGCCAGGAGGGGAAGCGATGGCTGGG[C>T]CCGCGTGGATCTCTAAGGTGAGCGCTGGCAGGCCGGCGTGTGGCAGGCAGGCAGGCCGCG-3'
Protein context (NP_005521.1, residues 1-14): MAG[Pro4Ser]AWISKVSRLL

ClinVar aggregate classification (germline): Uncertain significance (1 of 4 stars; one submission).

Allele frequency attached by ClinVar (database versions not stated): gnomAD exomes below 0.00001; gnomAD 0.00001; TOPMed 0.00001; ExAC 0.00006.

Submission:

Labcorp Genetics (formerly Invitae), Labcorp
Classification: Uncertain significance. Last evaluated: 2022-02-23. Review status: criteria provided, single submitter. Criteria: Invitae Variant Classification Sherloc (09022015). Collection method: clinical testing. Allele origin: germline.
Comment: In summary, the available evidence is currently insufficient to determine the role of this variant in disease. Therefore, it has been classified as a Variant of Uncertain Significance. This sequence change replaces proline, which is neutral and non-polar, with serine, which is neutral and polar, at codon 4 of the IDH3A protein (p.Pro4Ser). The frequency data for this variant in the population databases is considered unreliable, as metrics indicate poor data quality at this position in the gnomAD database. This variant has not been reported in the literature in individuals affected with IDH3A-related conditions. Algorithms developed to predict the effect of missense changes on protein structure and function output the following: SIFT: "Tolerated"; PolyPhen-2: "Benign"; Align-GVGD: "Class C0". The serine amino acid residue is found in multiple mammalian species, which suggests that this missense change does not adversely affect protein function.